The following is an entry in ClinVar:

ClinVar aggregate classification (germline): Pathogenic (1 of 4 stars; one submission).

Submission:

Labcorp Genetics (formerly Invitae), Labcorp
Classification: Pathogenic. Last evaluated: 2023-12-10. Review status: criteria provided, single submitter. Criteria: Invitae Variant Classification Sherloc (09022015). Collection method: clinical testing. Allele origin: germline.
Comment: This sequence change creates a premature translational stop signal (p.Glu518Valfs*42) in the CACNA1B gene. It is expected to result in an absent or disrupted protein product. Loss-of-function variants in CACNA1B are known to be pathogenic (PMID: 30982612). This variant is not present in population databases (gnomAD no frequency). This variant has not been reported in the literature in individuals affected with CACNA1B-related conditions. For these reasons, this variant has been classified as Pathogenic.

Literature cited by the submitters: PubMed 30982612.

NM_000718.4(CACNA1B):c.1553_1554del (p.Glu518fs)

Gene: CACNA1B (calcium voltage-gated channel subunit alpha1 B; plus strand). Cytogenetic location: 9q34.3.
Variant type: Microsatellite.
Coding change: c.1553_1554del on transcript NM_000718.4 (MANE Select); coding-DNA positions 1553 to 1554, 2 bases deleted (AG; older notation c.1553_1554delAG).
Protein change: p.Glu518fs; shifts the reading frame from glutamic acid 518.
Molecular consequence: frameshift variant.
Genome position (GRCh38, 1-based): chr9:137,975,916-137,975,917, AG deleted; deleting any 2 consecutive bases within chr9:137,975,914-137,975,917 gives the same sequence; the c. name uses the placement nearest the transcript's 3' end. VCF-style (leftmost placement, unchanged base first): chr9-137975913-CAG-C. GRCh37 (hg19) VCF-style: chr9-140870365-CAG-C.
Other names: c.1553_1554del, p.Glu518fs (NM_001243812.2); short protein forms E518fs.
Identifiers: ClinVar variation 2992758 (VCV002992758.3), dbSNP rs2539273554, ClinGen allele CA2740092956.